The following is an entry in ClinVar:

ClinVar aggregate classification (germline): Uncertain significance. Review status: criteria provided, multiple submitters, no conflicts (2 of 4 stars). 2 submissions from 2 submitters: Uncertain significance (2). Last evaluated 2025-09-29.

Conditions:
Pseudohypoaldosteronism type 2B (PHA2B). Also called: Pseudohypoaldosteronism Type IIB. Identifiers: Orphanet 757, Orphanet 88939, MedGen C1840390, MONDO:0013777, OMIM 614491.

gnomAD v4.1: 23 of 1,614,036 alleles (0.0014%); highest among the groups gnomAD compares: Admixed American, 0.012%; no homozygotes.

Submissions (2):

Labcorp Genetics (formerly Invitae), Labcorp
Classification: Uncertain significance. Last evaluated: 2025-09-29. Review status: criteria provided, single submitter. Criteria: Invitae Variant Classification Sherloc (09022015). Collection method: clinical testing. Allele origin: germline.
Comment: This sequence change replaces arginine, which is basic and polar, with cysteine, which is neutral and slightly polar, at codon 525 of the WNK4 protein (p.Arg525Cys). This variant is present in population databases (rs145020225, gnomAD 0.01%). This variant has not been reported in the literature in individuals affected with WNK4-related conditions. ClinVar contains an entry for this variant (Variation ID: 3582010). Invitae Evidence Modeling of protein sequence and biophysical properties (such as structural, functional, and spatial information, amino acid conservation, physicochemical variation, residue mobility, and thermodynamic stability) indicates that this missense variant is not expected to disrupt WNK4 protein function with a negative predictive value of 95%. In summary, the available evidence is currently insufficient to determine the role of this variant in disease. Therefore, it has been classified as a Variant of Uncertain Significance.

Fulgent Genetics
Classification: Uncertain significance for Pseudohypoaldosteronism type 2B. Last evaluated: 2024-03-14. Review status: criteria provided, single submitter. Criteria: ACMG Guidelines, 2015. Collection method: clinical testing. Allele origin: germline.

NM_032387.5(WNK4):c.1573C>T (p.Arg525Cys)

Gene: WNK4 (WNK lysine deficient protein kinase 4; plus strand). Cytogenetic location: 17q21.2.
Variant type: single nucleotide variant.
Coding change: c.1573C>T on transcript NM_032387.5 (MANE Select); coding-DNA position 1573, C replaced by T.
Protein change: p.Arg525Cys; replaces arginine 525 with cysteine.
Molecular consequence: missense variant.
Genome position (GRCh38, 1-based): chr17:42,787,374, C>T. VCF-style: chr17-42787374-C-T. GRCh37 (hg19) VCF-style: chr17-40939392-C-T.
Other names: c.565C>T, p.Arg189Cys (NM_001321299.2); short protein forms R525C, R189C.
Identifiers: ClinVar variation 3582010 (VCV003582010.2).